The following is an entry in ClinVar:

NM_144666.3(DNHD1):c.11053+7G>A

Gene: DNHD1 (dynein heavy chain domain 1; plus strand). Cytogenetic location: 11p15.4.
Variant type: single nucleotide variant.
Coding change: c.11053+7G>A on transcript NM_144666.3 (MANE Select); 7 bases into the intron after coding-DNA position 11053, G replaced by A.
Molecular consequence: intron variant.
Genome position (GRCh38, 1-based): chr11:6,565,998, G>A. VCF-style: chr11-6565998-G-A. GRCh37 (hg19) VCF-style: chr11-6587228-G-A.
Identifiers: ClinVar variation 3057201 (VCV003057201.2), dbSNP rs7947368, ClinGen allele CA5856552.

ClinVar aggregate classification (germline): Benign (0 of 4 stars; one submission).

Conditions:
DNHD1-related disorder. Also called: DNHD1-related condition.

Allele frequency attached by ClinVar (database versions not stated): gnomAD exomes 0.07987; ExAC 0.16092; gnomAD 0.24312; ESP Exome Variant Server 0.24485; 1000 Genomes Project 0.26637; TOPMed 0.26742; 1000 Genomes Project 30x 0.27717.
gnomAD v4.1: 150,173 of 1,550,808 alleles (9.7%); highest among the groups gnomAD compares: African/African-American, 69%; 21,601 homozygotes.

Submission:

PreventionGenetics, part of Exact Sciences
Classification: Benign for DNHD1-related condition. Last evaluated: 2019-10-24. Review status: no assertion criteria provided. Collection method: clinical testing. Allele origin: germline.
Comment: This variant is classified as benign based on ACMG/AMP sequence variant interpretation guidelines (Richards et al. 2015 PMID: 25741868, with internal and published modifications).